The following is an entry in ClinVar:

NM_000217.3(KCNA1):c.964A>C (p.Ser322Arg)

Gene: KCNA1 (potassium voltage-gated channel subfamily A member 1; plus strand). Cytogenetic location: 12p13.32.
Variant type: single nucleotide variant.
Coding change: c.964A>C on transcript NM_000217.3 (MANE Select); coding-DNA position 964, A replaced by C.
Protein change: p.Ser322Arg; replaces serine 322 with arginine.
Molecular consequence: missense variant.
Genome position (GRCh38, 1-based): chr12:4,912,342, A>C. VCF-style: chr12-4912342-A-C. GRCh37 (hg19) VCF-style: chr12-5021508-A-C.
Other names: short protein forms S322R.
Identifiers: ClinVar variation 577805 (VCV000577805.8), dbSNP rs1565433425, ClinGen allele CA383455729.

ClinVar aggregate classification (germline): Uncertain significance (1 of 4 stars; one submission).

Conditions:
Episodic ataxia type 1 (EA1). Also called: PAROXYSMAL ATAXIA WITH NEUROMYOTONIA, HEREDITARY; ATAXIA, EPISODIC, WITH MYOKYMIA; Episodic ataxia/myokymia syndrome; MYOKYMIA WITH PERIODIC ATAXIA. Identifiers: Orphanet 37612, Orphanet 972, MedGen C1719788, MONDO:0008047, OMIM 160120.

Submission:

Labcorp Genetics (formerly Invitae), Labcorp
Classification: Uncertain significance for Episodic ataxia type 1. Last evaluated: 2018-04-26. Review status: criteria provided, single submitter. Criteria: Invitae Variant Classification Sherloc (09022015). Collection method: clinical testing. Allele origin: germline.
Comment: In summary, the available evidence is currently insufficient to determine the role of this variant in disease. Therefore, it has been classified as a Variant of Uncertain Significance. Algorithms developed to predict the effect of missense changes on protein structure and function (SIFT, PolyPhen-2, Align-GVGD) all suggest that this variant is likely to be disruptive, but these predictions have not been confirmed by published functional studies and their clinical significance is uncertain. This variant has not been reported in the literature in individuals with KCNA1-related disease. This variant is not present in population databases (ExAC no frequency). This sequence change replaces serine with arginine at codon 322 of the KCNA1 protein (p.Ser322Arg). The serine residue is highly conserved and there is a moderate physicochemical difference between serine and arginine.